The following is an entry in ClinVar:

NM_004006.3(DMD):c.10839T>A (p.Ser3613=)

Gene: DMD (dystrophin; minus strand). Cytogenetic location: Xp21.2.
Variant type: single nucleotide variant.
Coding change: c.10839T>A on transcript NM_004006.3 (MANE Select); coding-DNA position 10839, T replaced by A.
Protein change: p.Ser3613=; no amino-acid change (serine 3613 retained).
Molecular consequence: synonymous variant.
Genome position (GRCh38, 1-based): chrX:31,146,373, A>T on the plus strand (T>A on the coding strand, the complement: DMD is on the minus strand). VCF-style: chrX-31146373-A-T. GRCh37 (hg19) VCF-style: chrX-31164490-A-T.
Other names: c.10815T>A, p.Ser3605= (NM_000109.4); c.10827T>A, p.Ser3609= (NM_004009.3); c.10470T>A, p.Ser3490= (NM_004010.3); c.6816T>A, p.Ser2272= (NM_004011.4); c.6807T>A, p.Ser2269= (NM_004012.4); c.3459T>A, p.Ser1153= (NM_004013.3, NM_004021.3); c.2652T>A, p.Ser884= (NM_004014.3); c.1635T>A, p.Ser545= (NM_004015.3, NM_004016.3); and 3 more.
Identifiers: ClinVar variation 2152653 (VCV002152653.4), dbSNP rs2519418726, ClinGen allele CA515855102.

ClinVar aggregate classification (germline): Uncertain significance (1 of 4 stars; one submission).

Conditions:
Duchenne muscular dystrophy (DMD). Also called: MUSCULAR DYSTROPHY, PSEUDOHYPERTROPHIC PROGRESSIVE, DUCHENNE TYPE; Duchenne Muscular Dystrophy (DMD). Identifiers: Orphanet 98896, MedGen C0013264, MONDO:0010679, OMIM 310200.

Allele frequency attached by ClinVar (database versions not stated): gnomAD exomes below 0.00001.
gnomAD v4.1: 1 of 1,210,600 alleles (0.000083%); highest among the groups gnomAD compares: Non-Finnish European, 0.00011%; no homozygotes.

Submission:

Labcorp Genetics (formerly Invitae), Labcorp
Classification: Uncertain significance for Duchenne muscular dystrophy. Last evaluated: 2022-10-22. Review status: criteria provided, single submitter. Criteria: Invitae Variant Classification Sherloc (09022015). Collection method: clinical testing. Allele origin: germline.
Comment: This variant is not present in population databases (gnomAD no frequency). In summary, the available evidence is currently insufficient to determine the role of this variant in disease. Therefore, it has been classified as a Variant of Uncertain Significance. Algorithms developed to predict the effect of sequence changes on RNA splicing suggest that this variant may disrupt the consensus splice site. This variant has not been reported in the literature in individuals affected with DMD-related conditions. This sequence change affects codon 3613 of the DMD mRNA. It is a 'silent' change, meaning that it does not change the encoded amino acid sequence of the DMD protein.